The following is an entry in ClinVar:

ClinVar aggregate classification (germline): Conflicting classifications of pathogenicity. Review status: criteria provided, conflicting classifications (1 of 4 stars). 4 submissions from 4 submitters: Uncertain significance (2); Likely benign (1). 1 of the submissions does not count toward it. Last evaluated 2025-08-01.

Conditions:
Hereditary cancer-predisposing syndrome. Also called: Hereditary Cancer Syndrome; Tumor predisposition; Neoplastic Syndromes, Hereditary; Hereditary neoplastic syndrome. Identifiers: Orphanet 140162, MedGen C0027672, MeSH D009386, MONDO:0015356.
Hereditary breast ovarian cancer syndrome. Also called: Breast and ovarian cancer; BRCA1- and BRCA2-Associated Hereditary Breast and Ovarian Cancer; Hereditary breast and ovarian cancer; Hereditary breast and ovarian cancer syndrome (HBOC); Hereditary breast and ovarian cancer syndrome; Hereditary breast and/or ovarian cancer syndrome. Identifiers: Orphanet 145, MedGen C0677776, MeSH D061325, MONDO:0003582. Disease mechanism: loss of function.
Familial cancer of breast. Also called: BREAST CANCER, FAMILIAL; hereditary breast carcinoma; Hereditary breast cancer. Identifiers: Orphanet 227535, MedGen C0346153, MONDO:0016419, OMIM 114480. Disease mechanism: loss of function.

Submissions (5):

CeGaT Center for Human Genetics Tuebingen
Classification: Uncertain significance. Last evaluated: 2025-08-01. Review status: criteria provided, single submitter. Criteria: CeGaT Center For Human Genetics Tuebingen Variant Classification Criteria Version 2. Collection method: clinical testing. Allele origin: germline. Affected: yes. Observed: 2 variant alleles.
Comment: BRCA1: PM2, PM5, BP1, BS3:Supporting

Labcorp Genetics (formerly Invitae), Labcorp
Classification: Uncertain significance for Hereditary breast ovarian cancer syndrome. Last evaluated: 2025-05-07. Review status: criteria provided, single submitter. Criteria: Invitae Variant Classification Sherloc (09022015). Collection method: clinical testing. Allele origin: germline.
Comment: This sequence change replaces glycine, which is neutral and non-polar, with serine, which is neutral and polar, at codon 1748 of the BRCA1 protein (p.Gly1748Ser). This variant is not present in population databases (gnomAD no frequency). This missense change has been observed in individual(s) with ovarian cancer (PMID: 20638108). ClinVar contains an entry for this variant (Variation ID: 55475). Invitae Evidence Modeling incorporating data from in vitro experimental studies (PMID: 30209399) indicates that this missense variant is not expected to disrupt BRCA1 function with a negative predictive value of 95%. In summary, the available evidence is currently insufficient to determine the role of this variant in disease. Therefore, it has been classified as a Variant of Uncertain Significance.

Ambry Genetics
Classification: Likely benign for Hereditary cancer-predisposing syndrome. Last evaluated: 2021-04-12. Review status: criteria provided, single submitter. Criteria: Ambry Variant Classification Scheme 2023. Collection method: clinical testing. Allele origin: germline.

Brotman Baty Institute, University of Washington
No classification provided (evidence only). Condition: Breast-ovarian cancer, familial 1. Review status: no classification provided. Collection method: in vitro. Allele origin: not applicable. Functional consequence: functionally_normal. Not counted in ClinVar's aggregate classification.
ClinVar note: "not provided" was previously submitted as the classification for the variant. However, the classification appeared to be based only on an observation of functional data so it was converted to no classification on 2025-07-30.

ClinVar Staff, National Center for Biotechnology Information (NCBI)
No classification provided. Condition: Familial cancer of breast. Review status: no classification provided. Collection method: literature only. Allele origin: germline. Affected: yes. Not counted in ClinVar's aggregate classification.

Literature cited by the submitters: PubMed 20638108 (cited by 3 submitters); PubMed 30209399 (cited by Labcorp Genetics (formerly Invitae), Labcorp and Ambry Genetics); PubMed 30765603 (cited by Ambry Genetics).

NM_007294.4(BRCA1):c.5242G>A (p.Gly1748Ser)

Gene: BRCA1 (BRCA1 DNA repair associated; minus strand). Cytogenetic location: 17q21.31.
Variant type: single nucleotide variant.
Coding change: c.5242G>A on transcript NM_007294.4 (MANE Select); coding-DNA position 5242, G replaced by A.
Protein change: p.Gly1748Ser; replaces glycine 1748 with serine.
Molecular consequence: missense variant. On other transcripts: non-coding transcript variant (1).
Genome position (GRCh38, 1-based): chr17:43,057,087, C>T on the plus strand (G>A on the coding strand, the complement: BRCA1 is on the minus strand). VCF-style: chr17-43057087-C-T. GRCh37 (hg19) VCF-style: chr17-41209104-C-T.
Other names: c.5236G>A, p.Gly1746Ser (NM_001407641.1, NM_001407642.1, NM_001407627.1 and 14 more transcripts); c.5233G>A, p.Gly1745Ser (NM_001407644.1, NM_001407645.1); c.5230G>A, p.Gly1744Ser (NM_001407646.1); c.5227G>A, p.Gly1743Ser (NM_001407647.1); c.5185G>A, p.Gly1729Ser (NM_001407648.1); c.5158G>A, p.Gly1720Ser (NM_001407661.1, NM_001407662.1, NM_001407663.1 and 2 more transcripts); c.5119G>A, p.Gly1707Ser (NM_001407664.1, NM_001407665.1, NM_001407666.1 and 6 more transcripts); c.5116G>A, p.Gly1706Ser (NM_001407680.1, NM_001407939.1, NM_001407940.1 and 10 more transcripts); and 72 more; short protein forms G1748S, G1701S, G1769S, G644S, G1594S, G1620S, G1621S, G1636S.
Identifiers: ClinVar variation 55475 (VCV000055475.16), dbSNP rs397507245, ClinGen allele CA003382.